The following is an entry in ClinVar:

NM_015898.4(ZBTB7A):c.313G>A (p.Gly105Ser)

Gene: ZBTB7A (zinc finger and BTB domain containing 7A; minus strand). Cytogenetic location: 19p13.3.
Variant type: single nucleotide variant.
Coding change: c.313G>A on transcript NM_015898.4 (MANE Select); coding-DNA position 313, G replaced by A.
Protein change: p.Gly105Ser; replaces glycine 105 with serine.
Molecular consequence: missense variant.
Genome position (GRCh38, 1-based): chr19:4,054,920, C>T on the plus strand (G>A on the coding strand, the complement: ZBTB7A is on the minus strand). VCF-style: chr19-4054920-C-T. GRCh37 (hg19) VCF-style: chr19-4054918-C-T.
Other names: c.313G>A, p.Gly105Ser (NM_001317990.2); short protein forms G105S.
Identifiers: ClinVar variation 3374812 (VCV003374812.1).
Genomic context (GRCh38, chr19:4,054,920, plus strand): 5'-CGGCGCACACGTGGCTCACGGCGGGGATCTCCAGCAGGCGGGCGGCGCTGAGGATGTCAC[C>T]CACGTTGGCTGTGCTGACGGTGAGCGTGGCCGTGTAGGCGAAGTCCATGAGCGCGGTGAG-3'
Protein context (NP_056982.1, residues 95-115): ATLTVSTANV[Gly105Ser]DILSAARLLE

ClinVar aggregate classification (germline): Uncertain significance (1 of 4 stars; one submission).

gnomAD v4.1: 2 of 1,611,118 alleles (0.00012%); highest among the groups gnomAD compares: African/African-American, 0.0027%; no homozygotes.

Submission:

Women's Health and Genetics/Laboratory Corporation of America, LabCorp
Classification: Uncertain significance. Last evaluated: 2024-09-13. Review status: criteria provided, single submitter. Criteria: LabCorp Variant Classification Summary - May 2015. Collection method: clinical testing. Allele origin: germline.
Comment: Variant summary: ZBTB7A c.313G>A (p.Gly105Ser) results in a non-conservative amino acid change located in the BTB/POZ domain (IPR000210) of the encoded protein sequence. Four of five in-silico tools predict a benign effect of the variant on protein function. The variant was absent in 242808 control chromosomes. The available data on variant occurrences in the general population are insufficient to allow any conclusion about variant significance. To our knowledge, no occurrence of c.313G>A in individuals affected with Macrocephaly, Neurodevelopmental Delay, Lymphoid Hyperplasia, And Persistent Fetal Hemoglobin and no experimental evidence demonstrating its impact on protein function have been reported. No submitters have cited clinical-significance assessments for this variant to ClinVar. Based on the evidence outlined above, the variant was classified as uncertain significance.